The following is an entry in ClinVar:

NM_021147.5(CCNO):c.957G>A (p.Lys319=)

Gene: CCNO (cyclin O; minus strand). Cytogenetic location: 5q11.2.
Variant type: single nucleotide variant.
Coding change: c.957G>A on transcript NM_021147.5 (MANE Select); coding-DNA position 957, G replaced by A.
Protein change: p.Lys319=; no amino-acid change (lysine 319 retained).
Molecular consequence: synonymous variant. On other transcripts: non-coding transcript variant (3).
Genome position (GRCh38, 1-based): chr5:55,231,471, C>T on the plus strand (G>A on the coding strand, the complement: CCNO is on the minus strand). VCF-style: chr5-55231471-C-T. GRCh37 (hg19) VCF-style: chr5-54527299-C-T.
Identifiers: ClinVar variation 416790 (VCV000416790.15), dbSNP rs7712656, ClinGen allele CA3266650.

ClinVar aggregate classification (germline): Benign/Likely benign. Review status: criteria provided, multiple submitters, no conflicts (2 of 4 stars). 4 submissions from 4 submitters: Benign (1); Likely benign (2). 1 of the submissions does not count toward it. Last evaluated 2026-01-18.

Conditions:
Primary ciliary dyskinesia 29. Also called: CILIARY DYSKINESIA, PRIMARY, 29, WITHOUT SITUS INVERSUS. Identifiers: Orphanet 244, MedGen C4014534, MONDO:0014378, OMIM 615872.
Primary ciliary dyskinesia. Also called: Ciliary dyskinesia. Identifiers: Orphanet 244, MedGen C0008780, MONDO:0016575, HP:0012265.
CCNO-related disorder. Also called: CCNO-related condition.

Allele frequency attached by ClinVar (database versions not stated): gnomAD exomes 0.00055; ExAC 0.00073; ESP Exome Variant Server 0.00215; gnomAD 0.00256 and 0.00273; 1000 Genomes Project 0.00260; TOPMed 0.00265; 1000 Genomes Project 30x 0.00281.
gnomAD v4.1: 726 of 1,614,148 alleles (0.045%); highest among the groups gnomAD compares: African/African-American, 0.91%; 2 homozygotes.

Submissions (4):

Labcorp Genetics (formerly Invitae), Labcorp
Classification: Benign for Primary ciliary dyskinesia. Last evaluated: 2026-01-18. Review status: criteria provided, single submitter. Criteria: Invitae Variant Classification Sherloc (09022015). Collection method: clinical testing. Allele origin: germline.

ARUP Laboratories, Molecular Genetics and Genomics, ARUP Laboratories
Classification: Likely benign for Primary ciliary dyskinesia 29. Last evaluated: 2025-01-30. Review status: criteria provided, single submitter. Criteria: ARUP Molecular Germline Variant Investigation Process 2024. Collection method: clinical testing. Allele origin: germline.

Blueprint Genetics
Classification: Likely benign. Last evaluated: 2024-09-18. Review status: criteria provided, single submitter. Criteria: ACMG Guidelines, 2015. Collection method: clinical testing. Allele origin: germline.

PreventionGenetics, part of Exact Sciences
Classification: Likely benign for CCNO-related condition. Last evaluated: 2024-09-08. Review status: no assertion criteria provided. Collection method: clinical testing. Allele origin: germline. Not counted in ClinVar's aggregate classification.
Comment: This variant is classified as likely benign based on ACMG/AMP sequence variant interpretation guidelines (Richards et al. 2015 PMID: 25741868, with internal and published modifications).